The following is an entry in ClinVar:

NM_012123.4(MTO1):c.726A>G (p.Arg242=)

Gene: MTO1 (mitochondrial tRNA translation optimization 1; plus strand). Cytogenetic location: 6q13.
Variant type: single nucleotide variant.
Coding change: c.726A>G on transcript NM_012123.4 (MANE Select); coding-DNA position 726, A replaced by G.
Protein change: p.Arg242=; no amino-acid change (arginine 242 retained).
Molecular consequence: synonymous variant.
Genome position (GRCh38, 1-based): chr6:73,473,555, A>G. VCF-style: chr6-73473555-A-G. GRCh37 (hg19) VCF-style: chr6-74183278-A-G.
Other names: p.Arg242=; c.726A>G, p.Arg242= (NM_001123226.2, NM_133645.3).
Identifiers: ClinVar variation 1588748 (VCV001588748.9), dbSNP rs754401804, ClinGen allele CA3889428.

ClinVar aggregate classification (germline): Likely benign. Review status: criteria provided, multiple submitters, no conflicts (2 of 4 stars). 2 submissions from 2 submitters: Likely benign (2). Last evaluated 2026-01-15.

Conditions:
Mitochondrial hypertrophic cardiomyopathy with lactic acidosis due to MTO1 deficiency. Also called: CARDIOMYOPATHY, INFANTILE HYPERTROPHIC MITOCHONDRIAL, AND LACTIC ACIDOSIS; Combined oxidative phosphorylation deficiency 10. Identifiers: Orphanet 314637, MedGen C4749921, MONDO:0013865, OMIM 614702.

Allele frequency attached by ClinVar (database versions not stated): gnomAD exomes 0.00002 and 0.00008; ExAC 0.00004; TOPMed 0.00008; gnomAD 0.00013 and 0.00014.
gnomAD v4.1: 53 of 1,613,958 alleles (0.0033%); highest among the groups gnomAD compares: Admixed American, 0.06%; no homozygotes.

Submissions (2):

Labcorp Genetics (formerly Invitae), Labcorp
Classification: Likely benign for Mitochondrial hypertrophic cardiomyopathy with lactic acidosis due to MTO1 deficiency. Last evaluated: 2026-01-15. Review status: criteria provided, single submitter. Criteria: Invitae Variant Classification Sherloc (09022015). Collection method: clinical testing. Allele origin: germline.

Mayo Clinic Laboratories, Mayo Clinic
Classification: Likely benign. Last evaluated: 2025-09-26. Review status: criteria provided, single submitter. Criteria: ACMG Guidelines, 2015. Collection method: clinical testing. Allele origin: germline. Observed: 1 variant allele.
Comment: BP4, BP7